The following is an entry in ClinVar:

ClinVar aggregate classification (germline): Uncertain significance (1 of 4 stars; one submission).

gnomAD v4.1: 1 of 1,614,134 alleles (0.000062%); highest among the groups gnomAD compares: Non-Finnish European, 0.000085%; no homozygotes.

Submission:

Dasa
Classification: Uncertain significance. Last evaluated: 2025-10-31. Review status: criteria provided, single submitter. Criteria: DASA Assertion Criteria. Collection method: clinical testing. Allele origin: germline.
Comment: NM_147127.5(EVC2):c.1256A>T (p.His419Leu) is a missense variant that results in the substitution of histidine with leucine. This variant is rare in population databases. The currently available literature and clinical evidence are not sufficient to establish a definitive association between this variant and the reported condition. Therefore, this variant is classified as a variant of uncertain significance.

NM_147127.5(EVC2):c.1256A>T (p.His419Leu)

Genes: EVC2 (EvC ciliary complex subunit 2; minus strand), LOC126806961 (BRD4-independent group 4 enhancer GRCh37_chr4:5641443-5642642; plus strand). Cytogenetic location: 4p16.2.
Variant type: single nucleotide variant.
Coding change: c.1256A>T on transcript NM_147127.5 (MANE Select); coding-DNA position 1256, A replaced by T.
Protein change: p.His419Leu; replaces histidine 419 with leucine.
Molecular consequence: missense variant.
Genome position (GRCh38, 1-based): chr4:5,640,728, T>A on the plus strand (A>T on the coding strand, the complement: EVC2 is on the minus strand). VCF-style: chr4-5640728-T-A. GRCh37 (hg19) VCF-style: chr4-5642455-T-A.
Other names: c.1016A>T, p.His339Leu (NM_001166136.2); short protein forms H339L, H419L.
Identifiers: ClinVar variation 4886659 (VCV004886659.2).